The following is an entry in ClinVar:

ClinVar aggregate classification (germline): Benign/Likely benign. Review status: criteria provided, multiple submitters, no conflicts (2 of 4 stars). 10 submissions from 10 submitters: Benign (3); Likely benign (4). 3 of the submissions do not count toward it. Last evaluated 2026-02-03.

Conditions:
Hereditary cancer-predisposing syndrome. Also called: Tumor predisposition; Neoplastic Syndromes, Hereditary; Hereditary neoplastic syndrome; Hereditary Cancer Syndrome. Identifiers: Orphanet 140162, MedGen C0027672, MeSH D009386, MONDO:0015356.
Ovarian cancer. Also called: OVARIAN CANCER, SOMATIC. Identifiers: Orphanet 213500, MedGen C1140680, MONDO:0008170, OMIM 167000.
TSC2-related disorder. Also called: TSC2-Related Disorders; TSC2-related condition.
Tuberous sclerosis syndrome (TSC). Also called: Tuberous Sclerosis Complex; Tuberous sclerosis. Identifiers: Orphanet 805, MedGen C0041341, MONDO:0001734.
Tuberous sclerosis 2 (TSC2). Identifiers: Orphanet 805, MedGen C1860707, MONDO:0013199, OMIM 613254.

Allele frequency attached by ClinVar (database versions not stated): gnomAD exomes 0.00006; ExAC 0.00007; ESP Exome Variant Server 0.00015; gnomAD 0.00017 and 0.00021; TOPMed 0.00019.
gnomAD v4.1: 74 of 1,613,720 alleles (0.0046%); highest among the groups gnomAD compares: African/African-American, 0.059%; no homozygotes.

Submissions (10):

Labcorp Genetics (formerly Invitae), Labcorp
Classification: Benign for Tuberous sclerosis 2. Last evaluated: 2026-02-03. Review status: criteria provided, single submitter. Criteria: Invitae Variant Classification Sherloc (09022015). Collection method: clinical testing. Allele origin: germline.

Ambry Genetics
Classification: Likely benign for Hereditary cancer-predisposing syndrome. Last evaluated: 2025-03-28. Review status: criteria provided, single submitter. Criteria: Ambry Variant Classification Scheme 2023. Collection method: clinical testing. Allele origin: germline.

Myriad Genetics, Inc.
Classification: Likely benign for Tuberous sclerosis 2. Last evaluated: 2024-08-06. Review status: criteria provided, single submitter. Criteria: Myriad Autosomal Dominant, Autosomal Recessive and X-Linked Classification Criteria (2023). Collection method: clinical testing. Allele origin: unknown.
Comment: This variant is considered likely benign. This variant has been observed at a population frequency that is significantly greater than expected given the associated disease prevalence and penetrance.

Color Diagnostics, LLC DBA Color Health
Classification: Likely benign for Tuberous sclerosis syndrome. Last evaluated: 2022-09-08. Review status: criteria provided, single submitter. Criteria: ACMG Guidelines, 2015. Collection method: clinical testing. Allele origin: germline.

Genome-Nilou Lab
Classification: Benign for Tuberous sclerosis 2. Last evaluated: 2021-11-07. Review status: criteria provided, single submitter. Criteria: ACMG Guidelines, 2015. Collection method: clinical testing. Allele origin: germline. Affected: no.

Sema4
Classification: Likely benign for Hereditary cancer-predisposing syndrome. Last evaluated: 2021-09-05. Review status: criteria provided, single submitter. Criteria: Sema4 Curation Guidelines. Collection method: curation. Allele origin: germline.

GeneDx
Classification: Benign. Last evaluated: 2019-05-20. Review status: criteria provided, single submitter. Criteria: GeneDx Variant Classification Process June 2021. Collection method: clinical testing. Allele origin: germline. Affected: yes.
Comment: This variant is associated with the following publications: (PMID: 30564305, 18386375, 25637381)

PreventionGenetics, part of Exact Sciences
Classification: Likely benign for TSC2-related condition. Last evaluated: 2022-11-01. Review status: no assertion criteria provided. Collection method: clinical testing. Allele origin: germline. Not counted in ClinVar's aggregate classification.
Comment: This variant is classified as likely benign based on ACMG/AMP sequence variant interpretation guidelines (Richards et al. 2015 PMID: 25741868, with internal and published modifications).

Laboratory of Molecular Epidemiology of Birth Defects, West China Second University Hospital, Sichuan University
Classification: Likely pathogenic for Ovarian cancer. Last evaluated: 2022-01-01. Review status: flagged submission. Criteria: ACMG Guidelines, 2015. Collection method: clinical testing. Allele origin: germline. Affected: yes. Not counted in ClinVar's aggregate classification.
ClinVar note: Reason: Outlier claim with insufficient supporting evidence

CSER _CC_NCGL, University of Washington
Classification: Uncertain significance for Tuberous sclerosis. Last evaluated: 2014-06-01. Review status: flagged submission. Collection method: research. Allele origin: germline. Inheritance: Autosomal dominant inheritance. Study: ESP 6500 variant annotation. Not counted in ClinVar's aggregate classification.
Comment: Variants classified for the Actionable exomic incidental findings in 6503 participants: challenges of variant classification manuscript
ClinVar note: Reason: Older and outlier claim with insufficient supporting evidence

NM_000548.5(TSC2):c.167A>G (p.Asn56Ser)

Gene: TSC2 (TSC complex subunit 2; plus strand). Cytogenetic location: 16p13.3.
Variant type: single nucleotide variant.
Coding change: c.167A>G on transcript NM_000548.5 (MANE Select); coding-DNA position 167, A replaced by G.
Protein change: p.Asn56Ser; replaces asparagine 56 with serine.
Molecular consequence: missense variant. On other transcripts: 5 prime UTR variant (1).
Genome position (GRCh38, 1-based): chr16:2,050,428, A>G. VCF-style: chr16-2050428-A-G. GRCh37 (hg19) VCF-style: chr16-2100429-A-G.
Other names: p.N56S:AAT>AGT; c.167A>G, p.Asn56Ser (NM_001077183.3, NM_001114382.3, NM_001318827.2 and 4 more transcripts); c.20A>G, p.Asn7Ser (NM_001318829.2); c.-60A>G (NM_001318831.2); c.200A>G, p.Asn67Ser (NM_001318832.2); c.167A>G (NM_000548.4); short protein forms N56S, N67S, N7S.
Identifiers: ClinVar variation 161398 (VCV000161398.27), dbSNP rs144165984, ClinGen allele CA015434.